The following is an entry in ClinVar:

ClinVar aggregate classification (germline): Uncertain significance (1 of 4 stars; one submission).

Conditions:
POLD1-related polyposis and colorectal cancer syndrome (CRCS10). Also called: Colorectal cancer 10; Colorectal cancer, susceptibility to, 10; COLORECTAL CANCER, SUSCEPTIBILITY TO, ON CHROMOSOME 19q. Identifiers: Orphanet 220460, MedGen C2675481, MONDO:0012953, OMIM 612591.

Submission:

Labcorp Genetics (formerly Invitae), Labcorp
Classification: Uncertain significance for POLD1-related polyposis and colorectal cancer syndrome. Last evaluated: 2023-10-10. Review status: criteria provided, single submitter. Criteria: Invitae Variant Classification Sherloc (09022015). Collection method: clinical testing. Allele origin: germline.
Comment: This sequence change falls in intron 19 of the POLD1 gene. It does not directly change the encoded amino acid sequence of the POLD1 protein. This variant is not present in population databases (gnomAD no frequency). This variant has not been reported in the literature in individuals affected with POLD1-related conditions. Algorithms developed to predict the effect of sequence changes on RNA splicing suggest that this variant may create or strengthen a splice site. In summary, the available evidence is currently insufficient to determine the role of this variant in disease. Therefore, it has been classified as a Variant of Uncertain Significance.

NM_002691.4(POLD1):c.2389-9C>A

Gene: POLD1 (DNA polymerase delta 1, catalytic subunit; plus strand). Cytogenetic location: 19q13.33.
Variant type: single nucleotide variant.
Coding change: c.2389-9C>A on transcript NM_002691.4 (MANE Select); 9 bases into the intron before coding-DNA position 2389, C replaced by A.
Molecular consequence: intron variant.
Genome position (GRCh38, 1-based): chr19:50,414,806, C>A. VCF-style: chr19-50414806-C-A. GRCh37 (hg19) VCF-style: chr19-50918063-C-A.
Other names: c.2389-9C>A (NM_001256849.1); c.2467-9C>A (NM_001308632.1).
Identifiers: ClinVar variation 2782080 (VCV002782080.3), dbSNP rs552399406, ClinGen allele CA2739276973.